The following is an entry in ClinVar:

NM_001267550.2(TTN):c.56801T>A (p.Val18934Asp)

Genes: TTN (titin; minus strand), TTN-AS1 (TTN antisense RNA 1; plus strand). Cytogenetic location: 2q31.2.
Variant type: single nucleotide variant.
Coding change: c.56801T>A on transcript NM_001267550.2 (MANE Select); coding-DNA position 56801, T replaced by A.
Protein change: p.Val18934Asp; replaces valine 18934 with aspartic acid.
Molecular consequence: missense variant.
Genome position (GRCh38, 1-based): chr2:178,598,909, A>T on the plus strand (T>A on the coding strand, the complement: TTN is on the minus strand). VCF-style: chr2-178598909-A-T. GRCh37 (hg19) VCF-style: chr2-179463636-A-T.
Other names: c.49097T>A, p.Val16366Asp (NM_133378.4); c.51878T>A, p.Val17293Asp (NM_001256850.1); c.29606T>A, p.Val9869Asp (NM_003319.4); c.29981T>A, p.Val9994Asp (NM_133432.3); c.30182T>A, p.Val10061Asp (NM_133437.4); short protein forms V16366D, V18934D, V10061D, V17293D, V9994D, V9869D.
Identifiers: ClinVar variation 517395 (VCV000517395.5), dbSNP rs1553663624, ClinGen allele CA349526707.

ClinVar aggregate classification (germline): Uncertain significance (1 of 4 stars; one submission).

Submission:

Laboratory for Molecular Medicine, Mass General Brigham Personalized Medicine
Classification: Uncertain significance. Last evaluated: 2017-05-26. Review status: criteria provided, single submitter. Criteria: LMM Criteria. Collection method: clinical testing. Allele origin: germline. Observed: 1 variant allele.
Comment: The p.Val16366Asp variant in TTN has not been previously reported in individuals with cardiomyopathy and was absent from large population studies. Computational prediction tools and conservation analysis suggest that the p.Val16366Asp varia nt may impact the protein, though this information is not predictive enough to d etermine pathogenicity. In summary, the clinical significance of the p.Val16366A sp variant is uncertain.